The following is an entry in ClinVar:

ClinVar aggregate classification (germline): Uncertain significance (1 of 4 stars; one submission).

Submission:

Genetic Services Laboratory, University of Chicago
Classification: Uncertain significance. Last evaluated: 2021-12-21. Review status: criteria provided, single submitter. Criteria: ACMG Guidelines, 2015. Collection method: clinical testing. Allele origin: germline. Affected: no.
Comment: DNA sequence analysis of the USP45 gene demonstrated a deletion and insertion of two base pairs in exon 14, c.1709_1710delinsAG.This in-frame deletion/insertion is predicted to result in a missense change, p.Gly570Glu. This sequence change does not appear to have been previously described in individuals with USP45 -related disorders. The p.Gly570Glu change affects a moderately conserved amino acid residue located in a domain of the USP45 protein that is not known to be functional. In-silico pathogenicity prediction tools (SIFT, PolyPhen2, Align GVGD, REVEL) provide contradictory results for the p.Gly570Glu substitution. The functional significance of this sequence change is not known at present and its contribution to this individual√¢‚Ç¨‚Ñ¢s disease phenotype cannot definitively be determined.

NM_001346022.3(USP45):c.1709_1710delinsAG (p.Gly570Glu)

Genes: TSTD3 (thiosulfate sulfurtransferase like domain containing 3; plus strand), USP45 (ubiquitin specific peptidase 45; minus strand). Cytogenetic location: 6q16.2.
Variant type: Indel.
Coding change: c.1709_1710delinsAG on transcript NM_001346022.3 (MANE Select); coding-DNA positions 1709 to 1710, GA replaced by AG.
Protein change: p.Gly570Glu; replaces glycine 570 with glutamic acid.
Molecular consequence: missense variant. On other transcripts: non-coding transcript variant (2).
Genome position (GRCh38, 1-based): chr6:99,446,062-99,446,063, TC replaced by CT on the plus strand (GA replaced by AG on the coding strand, the reverse complement: USP45 is on the minus strand). VCF-style: chr6-99446062-TC-CT. GRCh37 (hg19) VCF-style: chr6-99893938-TC-CT.
Other names: c.1709_1710delinsAG, p.Gly570Glu (NM_001080481.3, NM_001346021.3, NM_001346026.3); c.1706_1707delinsAG, p.Gly569Glu (NM_001346023.3); c.1535_1536delinsAG, p.Gly512Glu (NM_001346024.3); c.1532_1533delinsAG, p.Gly511Glu (NM_001346025.3); c.629_630delinsAG, p.Gly210Glu (NM_001346027.3, NM_001346028.3, NM_001346029.3); short protein forms G210E, G511E, G512E, G569E, G570E.
Identifiers: ClinVar variation 1338683 (VCV001338683.4), dbSNP rs2128552892, ClinGen allele CA2573052759.
Genomic context (GRCh38, chr6:99,446,062, plus strand): 5'-TAAAAAACATAAATTATTTGAAATATTTAGTGGCTGATTTTCTCTGTCAAAATCTTGATC[TC>CT]CAGTTACAGTGCTGCTCAAACGAAGTTCAGAAATAGCTTCTGCCATTTCCTTATCACCAC-3'
Protein context (NP_001332951.1, residues 560-580): SELRLSSTVT[Gly570Glu]DQDFDRENQP